The following is an entry in ClinVar:

ClinVar aggregate classification (germline): Likely pathogenic (1 of 4 stars; one submission).

Submission:

GeneDx
Classification: Likely pathogenic. Last evaluated: 2025-07-25. Review status: criteria provided, single submitter. Criteria: GeneDx Variant Classification Process June 2021. Collection method: clinical testing. Allele origin: germline. Affected: yes.
Comment: Not observed at significant frequency in large population cohorts (gnomAD); In silico analysis supports that this missense variant has a deleterious effect on protein structure/function; Has not been previously published as pathogenic or benign to our knowledge

NM_001347721.2(DYRK1A):c.1433C>T (p.Thr478Ile)

Gene: DYRK1A (dual specificity tyrosine phosphorylation regulated kinase 1A; plus strand). Cytogenetic location: 21q22.13.
Variant type: single nucleotide variant.
Coding change: c.1433C>T on transcript NM_001347721.2 (MANE Select); coding-DNA position 1433, C replaced by T.
Protein change: p.Thr478Ile; replaces threonine 478 with isoleucine.
Molecular consequence: missense variant.
Genome position (GRCh38, 1-based): chr21:37,505,503, C>T. VCF-style: chr21-37505503-C-T. GRCh37 (hg19) VCF-style: chr21-38877806-C-T.
Other names: c.1433C>T, p.Thr478Ile (NM_001347722.2, NM_130436.2); c.1346C>T, p.Thr449Ile (NM_001347723.2); c.1460C>T, p.Thr487Ile (NM_001396.5, NM_101395.2, NM_130438.2); short protein forms T449I, T478I, T487I.
Identifiers: ClinVar variation 1723731 (VCV001723731.5), dbSNP rs2518074532, ClinGen allele CA409938582.